The following is an entry in ClinVar:

ClinVar aggregate classification (germline): Likely pathogenic (1 of 4 stars; one submission).

gnomAD v4.1: 1 of 1,614,048 alleles (0.000062%); highest among the groups gnomAD compares: Non-Finnish European, 0.000085%; no homozygotes.

Submission:

GeneDx
Classification: Likely pathogenic. Last evaluated: 2018-05-23. Review status: criteria provided, single submitter. Criteria: GeneDx Variant Classification (06012015). Collection method: clinical testing. Allele origin: germline. Affected: yes.
Comment: The Y165X variant in the FBP1 gene has not been reported previously as a pathogenic variant nor as a benign variant, to our knowledge. This variant is predicted to cause loss of normal protein function either through protein truncation or nonsense-mediated mRNA decay. The Y165X variant was not observed in approximately 6500 individuals of European and African American ancestry in the NHLBI Exome Sequencing Project, indicating it is not a common benign variant in these populations. We interpret Y165X as a likely pathogenic variant. However, the possibility it may be a rare benign variant cannot be excluded.

NM_000507.4(FBP1):c.495C>A (p.Tyr165Ter)

Gene: FBP1 (fructose-bisphosphatase 1; minus strand). Cytogenetic location: 9q22.32.
Variant type: single nucleotide variant.
Coding change: c.495C>A on transcript NM_000507.4 (MANE Select); coding-DNA position 495, C replaced by A.
Protein change: p.Tyr165Ter; replaces tyrosine 165 with a stop codon.
Molecular consequence: nonsense.
Genome position (GRCh38, 1-based): chr9:94,609,993, G>T on the plus strand (C>A on the coding strand, the complement: FBP1 is on the minus strand). VCF-style: chr9-94609993-G-T. GRCh37 (hg19) VCF-style: chr9-97372275-G-T.
Other names: c.495C>A, p.Tyr165Ter (NM_001127628.2); short protein forms Y165*.
Identifiers: ClinVar variation 430265 (VCV000430265.2), dbSNP rs139264724, ClinGen allele CA374107752.